The following is an entry in ClinVar:

NM_198576.4(AGRN):c.3608T>C (p.Ile1203Thr)

Gene: AGRN (agrin; plus strand). Cytogenetic location: 1p36.33.
Variant type: single nucleotide variant.
Coding change: c.3608T>C on transcript NM_198576.4 (MANE Select); coding-DNA position 3608, T replaced by C.
Protein change: p.Ile1203Thr; replaces isoleucine 1203 with threonine.
Molecular consequence: missense variant.
Genome position (GRCh38, 1-based): chr1:1,047,664, T>C. VCF-style: chr1-1047664-T-C. GRCh37 (hg19) VCF-style: chr1-983044-T-C.
Other names: c.3608T>C (NM_198576.3); c.3608T>C, p.Ile1203Thr (NM_001305275.2); c.3293T>C, p.Ile1098Thr (NM_001364727.2); short protein forms I1098T, I1203T.
Identifiers: ClinVar variation 2146468 (VCV002146468.5), dbSNP rs747595220, ClinGen allele CA509153.

ClinVar aggregate classification (germline): Uncertain significance. Review status: criteria provided, multiple submitters, no conflicts (2 of 4 stars). 2 submissions from 2 submitters: Uncertain significance (2). Last evaluated 2025-05-13.

Conditions:
Inborn genetic diseases. Identifiers: MedGen C0950123, MeSH D030342.
Congenital myasthenic syndrome 8. Also called: Myasthenic syndrome, congenital, 8, with pre- and postsynaptic defects; MYASTHENIC SYNDROME, CONGENITAL, DUE TO AGRIN DEFICIENCY. Identifiers: Orphanet 590, MedGen C3808739, MONDO:0014052, OMIM 615120.

Allele frequency attached by ClinVar (database versions not stated): ExAC 0.00001; gnomAD exomes 0.00001; TOPMed 0.00001.
gnomAD v4.1: 18 of 1,613,034 alleles (0.0011%); highest among the groups gnomAD compares: Middle Eastern, 0.033%; no homozygotes.

Submissions (2):

Ambry Genetics
Classification: Uncertain significance for Inborn genetic diseases. Last evaluated: 2025-05-13. Review status: criteria provided, single submitter. Criteria: Ambry Variant Classification Scheme 2023. Collection method: clinical testing. Allele origin: germline.

Labcorp Genetics (formerly Invitae), Labcorp
Classification: Uncertain significance for Congenital myasthenic syndrome 8. Last evaluated: 2022-07-21. Review status: criteria provided, single submitter. Criteria: Invitae Variant Classification Sherloc (09022015). Collection method: clinical testing. Allele origin: germline.
Comment: In summary, the available evidence is currently insufficient to determine the role of this variant in disease. Therefore, it has been classified as a Variant of Uncertain Significance. Algorithms developed to predict the effect of missense changes on protein structure and function output the following: SIFT: "Tolerated"; PolyPhen-2: "Benign"; Align-GVGD: "Class C0". The threonine amino acid residue is found in multiple mammalian species, which suggests that this missense change does not adversely affect protein function. This variant has not been reported in the literature in individuals affected with AGRN-related conditions. This variant is present in population databases (rs747595220, gnomAD 0.01%). This sequence change replaces isoleucine, which is neutral and non-polar, with threonine, which is neutral and polar, at codon 1203 of the AGRN protein (p.Ile1203Thr).